The following is an entry in ClinVar:

ClinVar aggregate classification (germline): Uncertain significance (1 of 4 stars; one submission).

Conditions:
Emery-Dreifuss muscular dystrophy 4, autosomal dominant (EDMD4). Also called: EMERY-DREIFUSS MUSCULAR DYSTROPHY 4 WITH VARIABLE FEATURES. Identifiers: Orphanet 261, MedGen C2751807, MONDO:0013071, OMIM 612998.
Autosomal recessive ataxia, Beauce type. Also called: Spinocerebellar ataxia, autosomal recessive 8; ATAXIA, RECESSIVE, OF BEAUCE; SYNE1-Related Autosomal Recessive Cerebellar Ataxia; SYNE1 Deficiency. Identifiers: Orphanet 88644, MedGen C1853116, MONDO:0012549, OMIM 610743.

Allele frequency attached by ClinVar (database versions not stated): gnomAD exomes 0.00001.
gnomAD v4.1: 5 of 1,613,870 alleles (0.00031%); highest among the groups gnomAD compares: Non-Finnish European, 0.00025%; 1 homozygote.

Submission:

Labcorp Genetics (formerly Invitae), Labcorp
Classification: Uncertain significance for Emery-Dreifuss muscular dystrophy 4, autosomal dominant; Autosomal recessive ataxia, Beauce type. Last evaluated: 2023-10-02. Review status: criteria provided, single submitter. Criteria: Invitae Variant Classification Sherloc (09022015). Collection method: clinical testing. Allele origin: germline.
Comment: This sequence change falls in intron 132 of the SYNE1 gene. It does not directly change the encoded amino acid sequence of the SYNE1 protein. It affects a nucleotide within the consensus splice site. This variant is present in population databases (no rsID available, gnomAD 0.002%). This variant has not been reported in the literature in individuals affected with SYNE1-related conditions. Variants that disrupt the consensus splice site are a relatively common cause of aberrant splicing (PMID: 17576681, 9536098). Algorithms developed to predict the effect of sequence changes on RNA splicing suggest that this variant is not likely to affect RNA splicing. In summary, the available evidence is currently insufficient to determine the role of this variant in disease. Therefore, it has been classified as a Variant of Uncertain Significance.

Literature cited by the submitters: PubMed 17576681; PubMed 9536098.

NM_182961.4(SYNE1):c.24130-3T>C

Gene: SYNE1 (spectrin repeat containing nuclear envelope protein 1; minus strand). Cytogenetic location: 6q25.2.
Variant type: single nucleotide variant.
Coding change: c.24130-3T>C on transcript NM_182961.4 (MANE Select); 3 bases into the intron before coding-DNA position 24130, T replaced by C.
Molecular consequence: intron variant.
Genome position (GRCh38, 1-based): chr6:152,152,144, A>G on the plus strand (T>C on the coding strand, the complement: SYNE1 is on the minus strand). VCF-style: chr6-152152144-A-G. GRCh37 (hg19) VCF-style: chr6-152473279-A-G.
Other names: c.23917-3T>C (NM_033071.5); c.736-3T>C (NM_001347701.2); c.595-3T>C (NM_001347702.2).
Identifiers: ClinVar variation 2935981 (VCV002935981.3), dbSNP rs1405400564, ClinGen allele CA571129081.